The following is an entry in ClinVar:

NM_020822.3(KCNT1):c.2651A>T (p.Asp884Val)

Gene: KCNT1 (potassium sodium-activated channel subfamily T member 1; plus strand). Cytogenetic location: 9q34.3.
Variant type: single nucleotide variant.
Coding change: c.2651A>T on transcript NM_020822.3 (MANE Select); coding-DNA position 2651, A replaced by T.
Protein change: p.Asp884Val; replaces aspartic acid 884 with valine.
Molecular consequence: missense variant.
Genome position (GRCh38, 1-based): chr9:135,778,744, A>T. VCF-style: chr9-135778744-A-T. GRCh37 (hg19) VCF-style: chr9-138670590-A-T.
Other names: c.2516A>T, p.Asp839Val (NM_001272003.2); short protein forms D839V, D884V.
Identifiers: ClinVar variation 3255219 (VCV003255219.2), dbSNP rs2491037793.

ClinVar aggregate classification (germline): Likely pathogenic (1 of 4 stars; one submission).

Conditions:
Developmental and epileptic encephalopathy, 14 (DEE14). Also called: Early infantile epileptic encephalopathy 14. Identifiers: Orphanet 293181, MedGen C3554195, MONDO:0013989, OMIM 614959.

Submission:

Victorian Clinical Genetics Services, Murdoch Childrens Research Institute
Classification: Likely pathogenic for Developmental and epileptic encephalopathy, 14. Last evaluated: 2024-09-20. Review status: criteria provided, single submitter. Criteria: ACMG Guidelines, 2015. Collection method: clinical testing. Allele origin: germline. Inheritance: Autosomal dominant inheritance. Affected: yes.
Comment: Based on the classification scheme VCGS_Germline_v1.3.4, this variant is classified as Likely Pathogenic. Following criteria are met: 0101 - Gain of function is a known mechanism of disease in this gene and is associated with developmental and epileptic encephalopathy 14 (MIM#614959) and epilepsy, nocturnal frontal lobe 5 (MIM#615005). (I) 0107 - This gene is associated with autosomal dominant disease. (I) 0115 - Variants in this gene are known to have variable expressivity (PMID: 26740507). (I) 0200 - Variant is predicted to result in a missense amino acid change from aspartic acid to valine. (I) 0251 - This variant is heterozygous. (I) 0301 - Variant is absent from gnomAD (both v2 and v3). (SP) 0501 - Missense variant consistently predicted to be damaging by multiple in silico tools or highly conserved with a major amino acid change. (SP) 0604 - Variant is not located in an established domain, motif, hotspot or informative constraint region. (I) 0705 - No comparable missense variants have previous evidence for pathogenicity. (I) 0807 - This variant has no previous evidence of pathogenicity. (I) 0905 - No published segregation evidence has been identified for this variant. (I) 1007 - No published functional evidence has been identified for this variant. (SP) Legend: (SP) - Supporting pathogenic, (I) - Information, (SB) - Supporting benign

Literature cited by the submitters: PubMed 26740507.